The following is an entry in ClinVar:

NM_001254.4(CDC6):c.1583G>A (p.Arg528His)

Gene: CDC6 (cell division cycle 6; plus strand). Cytogenetic location: 17q21.2.
Variant type: single nucleotide variant.
Coding change: c.1583G>A on transcript NM_001254.4 (MANE Select); coding-DNA position 1583, G replaced by A.
Protein change: p.Arg528His; replaces arginine 528 with histidine.
Molecular consequence: missense variant.
Genome position (GRCh38, 1-based): chr17:40,301,598, G>A. VCF-style: chr17-40301598-G-A. GRCh37 (hg19) VCF-style: chr17-38457850-G-A.
Other names: short protein forms R528H.
Identifiers: ClinVar variation 2362724 (VCV002362724.5), dbSNP rs577349066, ClinGen allele CA8542174.

ClinVar aggregate classification (germline): Uncertain significance. Review status: criteria provided, multiple submitters, no conflicts (2 of 4 stars). 2 submissions from 2 submitters: Uncertain significance (2). Last evaluated 2023-03-14.

Allele frequency attached by ClinVar (database versions not stated): gnomAD exomes 0.00002; ExAC 0.00003; gnomAD 0.00003; TOPMed 0.00004; 1000 Genomes Project 30x 0.00016; 1000 Genomes Project 0.00020.

Submissions (2):

Labcorp Genetics (formerly Invitae), Labcorp
Classification: Uncertain significance. Last evaluated: 2023-03-14. Review status: criteria provided, single submitter. Criteria: Invitae Variant Classification Sherloc (09022015). Collection method: clinical testing. Allele origin: germline.
Comment: This sequence change replaces arginine, which is basic and polar, with histidine, which is basic and polar, at codon 528 of the CDC6 protein (p.Arg528His). This variant is present in population databases (rs577349066, gnomAD 0.02%). This variant has not been reported in the literature in individuals affected with CDC6-related conditions. ClinVar contains an entry for this variant (Variation ID: 2362724). An algorithm developed to predict the effect of missense changes on protein structure and function (PolyPhen-2) suggests that this variant is likely to be disruptive. In summary, the available evidence is currently insufficient to determine the role of this variant in disease. Therefore, it has been classified as a Variant of Uncertain Significance.

Ambry Genetics
Classification: Uncertain significance. Last evaluated: 2021-10-12. Review status: criteria provided, single submitter. Criteria: Ambry Variant Classification Scheme 2023. Collection method: clinical testing. Allele origin: germline.